The following is an entry in ClinVar:

ClinVar aggregate classification (germline): Uncertain significance (1 of 4 stars; one submission).

Allele frequency attached by ClinVar (database versions not stated): ExAC 0.00002.
gnomAD v4.1: 5 of 1,608,414 alleles (0.00031%); highest among the groups gnomAD compares: East Asian, 0.011%; no homozygotes.

Submission:

Labcorp Genetics (formerly Invitae), Labcorp
Classification: Uncertain significance. Last evaluated: 2025-01-27. Review status: criteria provided, single submitter. Criteria: Invitae Variant Classification Sherloc (09022015). Collection method: clinical testing. Allele origin: germline.
Comment: This sequence change affects codon 419 of the CREB3L1 mRNA. It is a 'silent' change, meaning that it does not change the encoded amino acid sequence of the CREB3L1 protein. It affects a nucleotide within the consensus splice site. This variant is present in population databases (rs773817341, gnomAD 0.02%). This variant has not been reported in the literature in individuals affected with CREB3L1-related conditions. ClinVar contains an entry for this variant (Variation ID: 1920911). Algorithms developed to predict the effect of sequence changes on RNA splicing suggest that this variant is not likely to affect RNA splicing. In summary, the available evidence is currently insufficient to determine the role of this variant in disease. Therefore, it has been classified as a Variant of Uncertain Significance.

NM_052854.4(CREB3L1):c.1257G>A (p.Gln419=)

Gene: CREB3L1 (cAMP responsive element binding protein 3 like 1; plus strand). Cytogenetic location: 11p11.2.
Variant type: single nucleotide variant.
Coding change: c.1257G>A on transcript NM_052854.4 (MANE Select); coding-DNA position 1257, G replaced by A.
Protein change: p.Gln419=; no amino-acid change (glutamine 419 retained).
Molecular consequence: synonymous variant.
Genome position (GRCh38, 1-based): chr11:46,317,486, G>A. VCF-style: chr11-46317486-G-A. GRCh37 (hg19) VCF-style: chr11-46339037-G-A.
Identifiers: ClinVar variation 1920911 (VCV001920911.5), dbSNP rs773817341, ClinGen allele CA5961828.